The following is an entry in ClinVar:

NC_000017.10:g.(?_41219605)_(41223340_?)del

Gene: BRCA1 (BRCA1 DNA repair associated; minus strand). Cytogenetic location: 17q21.31.
Variant type: Deletion.
Identifiers: ClinVar variation 1073080 (VCV001073080.1).

ClinVar aggregate classification (germline): Pathogenic (1 of 4 stars; one submission).

Conditions:
Hereditary breast ovarian cancer syndrome. Also called: Hereditary breast and ovarian cancer syndrome (HBOC); Hereditary breast and/or ovarian cancer syndrome; Hereditary breast and ovarian cancer; BRCA1- and BRCA2-Associated Hereditary Breast and Ovarian Cancer; Hereditary breast and ovarian cancer syndrome; Breast and ovarian cancer. Identifiers: Orphanet 145, MedGen C0677776, MeSH D061325, MONDO:0003582. Disease mechanism: loss of function.

Submission:

Labcorp Genetics (formerly Invitae), Labcorp
Classification: Pathogenic for Hereditary breast ovarian cancer syndrome. Last evaluated: 2020-10-15. Review status: criteria provided, single submitter. Criteria: Invitae Variant Classification Sherloc (09022015). Collection method: clinical testing. Allele origin: germline.
Comment: This variant is a gross deletion of the genomic region encompassing exons 15-16 of the BRCA1 gene. This leads to an in-frame deletion, preserving the integrity of the reading frame. Deletions of exons 15-16 have been observed in individuals and families affected with breast and ovarian cancer (PMID: 24825132, 12203994, 20232141, 18992264, 22544547). A deletion of exons 15-16 is also known as a deletion of exons 16-17 in the literature. Experimental studies have shown that this deletion results in the loss of BRCA1 transcriptional activation protein function (PMID: 18992264). For these reasons, this variant has been classified as Pathogenic.

Literature cited by the submitters: PubMed 24825132; PubMed 12203994; PubMed 20232141; PubMed 18992264; PubMed 22544547.